The following is an entry in ClinVar:

NM_206933.4(USH2A):c.8682-1G>A

Gene: USH2A (usherin; minus strand). Cytogenetic location: 1q41.
Variant type: single nucleotide variant.
Coding change: c.8682-1G>A on transcript NM_206933.4 (MANE Select); the canonical splice acceptor site of the intron before coding-DNA position 8682, G replaced by A.
Molecular consequence: splice acceptor variant.
Genome position (GRCh38, 1-based): chr1:215,867,171, C>T on the plus strand (G>A on the coding strand, the complement: USH2A is on the minus strand). VCF-style: chr1-215867171-C-T. GRCh37 (hg19) VCF-style: chr1-216040513-C-T.
Identifiers: ClinVar variation 550632 (VCV000550632.8), dbSNP rs1553271001, ClinGen allele CA344851536.

ClinVar aggregate classification (germline): Pathogenic. Review status: criteria provided, multiple submitters, no conflicts (2 of 4 stars). 5 submissions from 5 submitters: Pathogenic (4). 1 of the submissions does not count toward it. Last evaluated 2026-01-21.

Conditions:
Retinal dystrophy. Also called: Inherited retinal dystrophy. Identifiers: Orphanet 71862, MedGen C0854723, MeSH D058499, MONDO:0019118, HP:0000556.
Retinitis pigmentosa 39 (RP39). Identifiers: Orphanet 791, MedGen C3151138, MONDO:0013436, OMIM 613809.
Usher syndrome type 2A. Also called: USHER SYNDROME, TYPE IIA; RETINAL DISEASE IN USHER SYNDROME TYPE IIA, MODIFIER OF. Identifiers: Orphanet 231178, Orphanet 886, MedGen C1848634, MONDO:0010169, OMIM 276901.

Allele frequency attached by ClinVar (database versions not stated): gnomAD exomes below 0.00001.
gnomAD v4.1: 1 of 1,613,672 alleles (0.000062%); highest among the groups gnomAD compares: Non-Finnish European, 0.000085%; no homozygotes.

Submissions (5):

Natera, Inc.
Classification: Pathogenic for Usher syndrome type 2A. Last evaluated: 2026-01-21. Review status: criteria provided, single submitter. Criteria: Natera Variant Classification Schema (03/2026). Collection method: clinical testing. Allele origin: germline.
Comment: The c.8682-1G>A variant in USH2A is a canonical splice acceptor site variant predicted to affect pre-mRNA splicing, which may result in an abnormal transcript and altered protein product. This variant is expected to result in nonsense mediated decay, truncation, or a dysfunctional protein product. This variant is rare in the general population with a frequency below the threshold expected for the associated phenotype(s). This variant has been observed in one or more individuals affected with the associated recessive disease, as either homozygous or compound heterozygous with a second variant (PMID: 34148116). Given the available evidence, this variant is classified as Pathogenic.

Labcorp Genetics (formerly Invitae), Labcorp
Classification: Pathogenic. Last evaluated: 2024-08-05. Review status: criteria provided, single submitter. Criteria: Invitae Variant Classification Sherloc (09022015). Collection method: clinical testing. Allele origin: germline.
Comment: This sequence change affects an acceptor splice site in intron 43 of the USH2A gene. It is expected to disrupt RNA splicing. Variants that disrupt the donor or acceptor splice site typically lead to a loss of protein function (PMID: 16199547), and loss-of-function variants in USH2A are known to be pathogenic (PMID: 10729113, 10909849, 20507924, 25649381). This variant is not present in population databases (gnomAD no frequency). Disruption of this splice site has been observed in individual(s) with clinical features of Usher syndrome (PMID: 34148116). ClinVar contains an entry for this variant (Variation ID: 550632). Algorithms developed to predict the effect of sequence changes on RNA splicing suggest that this variant may disrupt the consensus splice site. For these reasons, this variant has been classified as Pathogenic.

Baylor Genetics
Classification: Pathogenic for Retinitis pigmentosa 39. Last evaluated: 2022-03-31. Review status: criteria provided, single submitter. Criteria: ACMG Guidelines, 2015. Collection method: clinical testing. Allele origin: unknown.

Institute of Human Genetics, Univ. Regensburg, Univ. Regensburg
Classification: Pathogenic for Retinal dystrophy. Last evaluated: 2022-01-01. Review status: criteria provided, single submitter. Criteria: ACMG Guidelines, 2015. Collection method: clinical testing. Allele origin: germline. Affected: yes.

Counsyl
Classification: Likely pathogenic for Usher syndrome type 2A; Retinitis pigmentosa 39. Last evaluated: 2017-02-07. Review status: no assertion criteria provided. Collection method: clinical testing. Allele origin: unknown. Not counted in ClinVar's aggregate classification.

Literature cited by the submitters: PubMed 34148116 (cited by 3 submitters); PubMed 16199547 (cited by Labcorp Genetics (formerly Invitae), Labcorp); PubMed 10729113 (cited by Labcorp Genetics (formerly Invitae), Labcorp); PubMed 10909849 (cited by Labcorp Genetics (formerly Invitae), Labcorp); PubMed 20507924 (cited by Labcorp Genetics (formerly Invitae), Labcorp); PubMed 25649381 (cited by Labcorp Genetics (formerly Invitae), Labcorp).